The following is an entry in ClinVar:

NM_000136.3(FANCC):c.1135G>A (p.Val379Ile)

Genes: AOPEP (aminopeptidase O (putative); plus strand), FANCC (FA complementation group C; minus strand). Cytogenetic location: 9q22.32.
Variant type: single nucleotide variant.
Coding change: c.1135G>A on transcript NM_000136.3 (MANE Select); coding-DNA position 1135, G replaced by A.
Protein change: p.Val379Ile; replaces valine 379 with isoleucine.
Molecular consequence: missense variant.
Genome position (GRCh38, 1-based): chr9:95,114,648, C>T on the plus strand (G>A on the coding strand, the complement: FANCC is on the minus strand). VCF-style: chr9-95114648-C-T. GRCh37 (hg19) VCF-style: chr9-97876930-C-T.
Other names: c.1135G>A, p.Val379Ile (NM_001243743.2, NM_001243744.2); short protein forms V379I.
Identifiers: ClinVar variation 3848320 (VCV003848320.1).
Genomic context (GRCh38, chr9:95,114,648, plus strand): 5'-CATGTGTGAAGTAGATTTGGGAGTGGTCAGTGTTTGCTCACCCATGAGTCTGGTCTTCAA[C>T]TGCTTCTCTGAGCAGTTCAGAAATATGCTTCAGTGTCTGGAGCCAGTGTCCCCGAGGGAT-3'
Protein context (NP_000127.2, residues 369-389): KHISELLREA[Val379Ile]EDQTHGSCGG

ClinVar aggregate classification (germline): Uncertain significance (1 of 4 stars; one submission).

Conditions:
Hereditary cancer-predisposing syndrome. Also called: Hereditary neoplastic syndrome; Neoplastic Syndromes, Hereditary; Tumor predisposition; Hereditary Cancer Syndrome. Identifiers: Orphanet 140162, MedGen C0027672, MeSH D009386, MONDO:0015356.

Submission:

Ambry Genetics
Classification: Uncertain significance for Hereditary cancer-predisposing syndrome. Last evaluated: 2025-01-17. Review status: criteria provided, single submitter. Criteria: Ambry Variant Classification Scheme 2023. Collection method: clinical testing. Allele origin: germline.
Comment: The p.V379I variant (also known as c.1135G>A), located in coding exon 11 of the FANCC gene, results from a G to A substitution at nucleotide position 1135. The valine at codon 379 is replaced by isoleucine, an amino acid with highly similar properties. This amino acid position is conserved. In addition, this alteration is predicted to be tolerated by in silico analysis. Based on the available evidence, the clinical significance of this variant remains unclear.